The following is an entry in ClinVar:

NM_053004.3(GNB1L):c.810C>T (p.Thr270=)

Gene: GNB1L (G protein subunit beta 1 like; minus strand). Cytogenetic location: 22q11.21.
Variant type: single nucleotide variant.
Coding change: c.810C>T on transcript NM_053004.3 (MANE Select); coding-DNA position 810, C replaced by T.
Protein change: p.Thr270=; no amino-acid change (threonine 270 retained).
Molecular consequence: synonymous variant.
Genome position (GRCh38, 1-based): chr22:19,788,883, G>A on the plus strand (C>T on the coding strand, the complement: GNB1L is on the minus strand). VCF-style: chr22-19788883-G-A. GRCh37 (hg19) VCF-style: chr22-19776406-G-A.
Identifiers: ClinVar variation 711009 (VCV000711009.6), dbSNP rs140821525, ClinGen allele CA10102988.

ClinVar aggregate classification (germline): Benign. Review status: criteria provided, single submitter (1 of 4 stars). 2 submissions from 2 submitters: Benign (1). 1 of the submissions does not count toward it. Last evaluated 2019-12-31.

Conditions:
GNB1L-related disorder. Also called: GNB1L-related condition.

Allele frequency attached by ClinVar (database versions not stated): gnomAD 0.00115 and 0.00182; ESP Exome Variant Server 0.00131; TOPMed 0.00142; gnomAD exomes 0.00231 and 0.00355; ExAC 0.00387; 1000 Genomes Project 30x 0.00609; 1000 Genomes Project 0.00639.
gnomAD v4.1: 3,741 of 1,612,894 alleles (0.23%); highest among the groups gnomAD compares: South Asian, 1.7%; 35 homozygotes.

Submissions (2):

Labcorp Genetics (formerly Invitae), Labcorp
Classification: Benign. Last evaluated: 2019-12-31. Review status: criteria provided, single submitter. Criteria: Invitae Variant Classification Sherloc (09022015). Collection method: clinical testing. Allele origin: germline.

PreventionGenetics, part of Exact Sciences
Classification: Benign for GNB1L-related condition. Last evaluated: 2019-02-20. Review status: no assertion criteria provided. Collection method: clinical testing. Allele origin: germline. Not counted in ClinVar's aggregate classification.
Comment: This variant is classified as benign based on ACMG/AMP sequence variant interpretation guidelines (Richards et al. 2015 PMID: 25741868, with internal and published modifications).